The following is an entry in ClinVar:

NM_033419.5(PGAP3):c.200A>G (p.Asp67Gly)

Gene: PGAP3 (post-GPI attachment to proteins phospholipase 3; minus strand). Cytogenetic location: 17q12.
Variant type: single nucleotide variant.
Coding change: c.200A>G on transcript NM_033419.5 (MANE Select); coding-DNA position 200, A replaced by G.
Protein change: p.Asp67Gly; replaces aspartic acid 67 with glycine.
Molecular consequence: missense variant.
Genome position (GRCh38, 1-based): chr17:39,686,001, T>C on the plus strand (A>G on the coding strand, the complement: PGAP3 is on the minus strand). VCF-style: chr17-39686001-T-C. GRCh37 (hg19) VCF-style: chr17-37842254-T-C.
Other names: c.200A>G, p.Asp67Gly (NM_001291726.2, NM_001291728.2, NM_001291730.2 and 2 more transcripts); c.200A>G (NM_033419.3, NM_033419.4); short protein forms D67G.
Identifiers: ClinVar variation 1352575 (VCV001352575.8), dbSNP rs141817321, ClinGen allele CA8533434.

ClinVar aggregate classification (germline): Uncertain significance. Review status: criteria provided, multiple submitters, no conflicts (2 of 4 stars). 4 submissions from 4 submitters: Uncertain significance (3). 1 of the submissions does not count toward it. Last evaluated 2026-08-06.

Conditions:
Hyperphosphatasia with impaired intellectual development syndrome 4. Also called: Hyperphosphatasia with intellectual disability syndrome 4; GLYCOSYLPHOSPHATIDYLINOSITOL BIOSYNTHESIS DEFECT 10. Identifiers: Orphanet 247262, MedGen C3810354, MONDO:0014318, OMIM 615716.
PGAP3-related disorder. Also called: PGAP3-related condition.

Allele frequency attached by ClinVar (database versions not stated): ESP Exome Variant Server 0.00046; ExAC 0.00033; gnomAD 0.00032; TOPMed 0.00042; gnomAD exomes 0.00036.
gnomAD v4.1: 711 of 1,612,850 alleles (0.044%); highest among the groups gnomAD compares: Non-Finnish European, 0.052%; 1 homozygote.

Submissions (4):

OLLIN Analises Genomicas, OLLIN
Classification: Uncertain significance for Hyperphosphatasia with impaired intellectual development syndrome 4. Last evaluated: 2026-08-06. Review status: criteria provided, single submitter. Criteria: ACMG Guidelines 2015 PMID 25741868. Collection method: clinical testing. Allele origin: germline. Inheritance: Autosomal recessive inheritance.
Comment: This missense variant, located in exon 2 (of 8), has been reported in ClinVar (accession VCV001352575.6) and in gnomAD with an allele frequency of 0.044%. However, to our knowledge, it has not been reported in the scientific literature. In silico analysis is inconclusive regarding the impact of this variant. According to the currently available evidence, this variant has been classified as uncertain significance (BS2_S).

GeneDx
Classification: Uncertain significance. Last evaluated: 2026-01-28. Review status: criteria provided, single submitter. Criteria: GeneDx Variant Classification Process June 2021. Collection method: clinical testing. Allele origin: germline.
Comment: In silico analysis supports that this missense variant has a deleterious effect on protein structure/function; Has not been previously published as pathogenic or benign to our knowledge

Labcorp Genetics (formerly Invitae), Labcorp
Classification: Uncertain significance. Last evaluated: 2025-01-06. Review status: criteria provided, single submitter. Criteria: Invitae Variant Classification Sherloc (09022015). Collection method: clinical testing. Allele origin: germline.
Comment: This sequence change replaces aspartic acid, which is acidic and polar, with glycine, which is neutral and non-polar, at codon 67 of the PGAP3 protein (p.Asp67Gly). This variant is present in population databases (rs141817321, gnomAD 0.2%). This variant has not been reported in the literature in individuals affected with PGAP3-related conditions. ClinVar contains an entry for this variant (Variation ID: 1352575). Invitae Evidence Modeling of protein sequence and biophysical properties (such as structural, functional, and spatial information, amino acid conservation, physicochemical variation, residue mobility, and thermodynamic stability) indicates that this missense variant is expected to disrupt PGAP3 protein function with a positive predictive value of 95%. In summary, the available evidence is currently insufficient to determine the role of this variant in disease. Therefore, it has been classified as a Variant of Uncertain Significance.

PreventionGenetics, part of Exact Sciences
Classification: Likely benign for PGAP3-related condition. Last evaluated: 2022-02-15. Review status: no assertion criteria provided. Collection method: clinical testing. Allele origin: germline. Not counted in ClinVar's aggregate classification.
Comment: This variant is classified as likely benign based on ACMG/AMP sequence variant interpretation guidelines (Richards et al. 2015 PMID: 25741868, with internal and published modifications).